The following is an entry in ClinVar:

NM_032802.4(SPPL2A):c.23C>A (p.Ser8Tyr)

Genes: SPPL2A (signal peptide peptidase like 2A; minus strand), LOC130057047 (ATAC-STARR-seq lymphoblastoid silent region 6430; plus strand). Cytogenetic location: 15q21.2.
Variant type: single nucleotide variant.
Coding change: c.23C>A on transcript NM_032802.4 (MANE Select); coding-DNA position 23, C replaced by A.
Protein change: p.Ser8Tyr; replaces serine 8 with tyrosine.
Molecular consequence: missense variant.
Genome position (GRCh38, 1-based): chr15:50,765,511, G>T on the plus strand (C>A on the coding strand, the complement: SPPL2A is on the minus strand). VCF-style: chr15-50765511-G-T. GRCh37 (hg19) VCF-style: chr15-51057708-G-T.
Other names: c.23C>A (NM_032802.3); short protein forms S8Y.
Identifiers: ClinVar variation 1509765 (VCV001509765.10), dbSNP rs1024485397, ClinGen allele CA270611458.

ClinVar aggregate classification (germline): Uncertain significance. Review status: criteria provided, multiple submitters, no conflicts (2 of 4 stars). 3 submissions from 3 submitters: Uncertain significance (3). Last evaluated 2025-12-28.

Allele frequency attached by ClinVar (database versions not stated): gnomAD exomes 0.00009.

Submissions (3):

Labcorp Genetics (formerly Invitae), Labcorp
Classification: Uncertain significance. Last evaluated: 2025-12-28. Review status: criteria provided, single submitter. Criteria: Invitae Variant Classification Sherloc (09022015). Collection method: clinical testing. Allele origin: germline.
Comment: This sequence change replaces serine, which is neutral and polar, with tyrosine, which is neutral and polar, at codon 8 of the SPPL2A protein (p.Ser8Tyr). The frequency data for this variant in the population databases is considered unreliable, as metrics indicate poor data quality at this position in the gnomAD database. This variant has not been reported in the literature in individuals affected with SPPL2A-related conditions. ClinVar contains an entry for this variant (Variation ID: 1509765). An algorithm developed to predict the effect of missense changes on protein structure and function (PolyPhen-2) suggests that this variant is likely to be tolerated. In summary, the available evidence is currently insufficient to determine the role of this variant in disease. Therefore, it has been classified as a Variant of Uncertain Significance.

Blueprint Genetics
Classification: Uncertain significance. Last evaluated: 2024-03-13. Review status: criteria provided, single submitter. Criteria: ACMG Guidelines, 2015. Collection method: clinical testing. Allele origin: germline.

Ambry Genetics
Classification: Uncertain significance. Last evaluated: 2021-08-02. Review status: criteria provided, single submitter. Criteria: Ambry Variant Classification Scheme 2023. Collection method: clinical testing. Allele origin: germline.